The following is an entry in ClinVar:

NC_000016.9:g.(?_86544176)_(86602447_?)dup

Genes: FOXC2 (forkhead box C2; plus strand), FOXF1 (forkhead box F1; plus strand), MTHFSD (methenyltetrahydrofolate synthetase domain containing; minus strand). Cytogenetic location: 16q24.1.
Variant type: Duplication.
Identifiers: ClinVar variation 3243629 (VCV003243629.1).

ClinVar aggregate classification (germline): Uncertain significance (1 of 4 stars; one submission).

Submission:

Labcorp Genetics (formerly Invitae), Labcorp
Classification: Uncertain significance. Last evaluated: 2023-12-15. Review status: criteria provided, single submitter. Criteria: Invitae Variant Classification Sherloc (09022015). Collection method: clinical testing. Allele origin: unknown.
Comment: A copy number gain of the genomic region encompassing the full coding sequence of the FOXF1 gene has been identified. The boundaries of this event are unknown as they extend beyond the assayed region for this gene and therefore may encompass additional genes. As the precise location of this event is unknown, it may be in tandem or it may be located elsewhere in the genome. Isolated whole-gene copy number gains of FOXF1 have not been reported in the literature. However, larger copy number events that include this gene have been reported (PMID: 30632303). In summary, the available evidence is currently insufficient to determine the role of this variant in disease. Therefore, it has been classified as a Variant of Uncertain Significance.

Literature cited by the submitters: PubMed 30632303.